The following is an entry in ClinVar:

NM_000264.5(PTCH1):c.881_882del (p.Arg294fs)

Gene: PTCH1 (patched 1; minus strand). Cytogenetic location: 9q22.32.
Variant type: Deletion.
Coding change: c.881_882del on transcript NM_000264.5 (MANE Select); coding-DNA positions 881 to 882, 2 bases deleted (GC; older notation c.881_882delGC).
Protein change: p.Arg294fs; shifts the reading frame from arginine 294.
Molecular consequence: frameshift variant. On other transcripts: non-coding transcript variant (1).
Genome position (GRCh38, 1-based): chr9:95,480,453-95,480,454, GC deleted on the plus strand (GC on the coding strand, the reverse complement: PTCH1 is on the minus strand); deleting any 2 consecutive bases within chr9:95,480,453-95,480,455 gives the same sequence; the c. name uses the placement nearest the transcript's 3' end. VCF-style (leftmost placement, unchanged base first): chr9-95480452-GGC-G. GRCh37 (hg19) VCF-style: chr9-98242734-GGC-G.
Other names: c.683_684del, p.Arg228fs (NM_001083602.3); c.878_879del, p.Arg293fs (NM_001083603.3); c.428_429del, p.Arg143fs (NM_001083604.3, NM_001083605.3, NM_001083606.3 and 1 more transcripts); c.881_882del, p.Arg294fs (NM_001354918.2); c.881_882delGC (NM_000264.3); short protein forms R228fs, R294fs, R143fs, R293fs.
Identifiers: ClinVar variation 3784639 (VCV003784639.1).

ClinVar aggregate classification (germline): Pathogenic (1 of 4 stars; one submission).

Conditions:
Hereditary cancer-predisposing syndrome. Also called: Neoplastic Syndromes, Hereditary; Hereditary Cancer Syndrome; Tumor predisposition; Hereditary neoplastic syndrome. Identifiers: Orphanet 140162, MedGen C0027672, MeSH D009386, MONDO:0015356.

Submission:

Ambry Genetics
Classification: Pathogenic for Hereditary cancer-predisposing syndrome. Last evaluated: 2025-01-17. Review status: criteria provided, single submitter. Criteria: Ambry Variant Classification Scheme 2023. Collection method: clinical testing. Allele origin: germline.
Comment: The c.881_882delGC pathogenic mutation, located in coding exon 6 of the PTCH1 gene, results from a deletion of two nucleotides at nucleotide positions 881 to 882, causing a translational frameshift with a predicted alternate stop codon (p.R294Pfs*24). This variant was reported in individual(s) with features consistent with PTCH1-related nevoid basal cell carcinoma syndrome (Ambry internal data). This variant is considered to be rare based on population cohorts in the Genome Aggregation Database (gnomAD). This alteration is expected to result in loss of function by premature protein truncation or nonsense-mediated mRNA decay. As such, this alteration is interpreted as a disease-causing mutation.